The following is an entry in ClinVar:

NM_020708.5(SLC12A5):c.1836C>T (p.Ile612=)

Gene: SLC12A5 (solute carrier family 12 member 5; plus strand). Cytogenetic location: 20q13.12.
Variant type: single nucleotide variant.
Coding change: c.1836C>T on transcript NM_020708.5 (MANE Select); coding-DNA position 1836, C replaced by T.
Protein change: p.Ile612=; no amino-acid change (isoleucine 612 retained).
Molecular consequence: synonymous variant.
Genome position (GRCh38, 1-based): chr20:46,047,502, C>T. VCF-style: chr20-46047502-C-T. GRCh37 (hg19) VCF-style: chr20-44676141-C-T.
Other names: c.1905C>T, p.Ile635= (NM_001134771.2).
Identifiers: ClinVar variation 2571136 (VCV002571136.29), dbSNP rs1245256136, ClinGen allele CA510653178.

ClinVar aggregate classification (germline): Likely benign. Review status: criteria provided, multiple submitters, no conflicts (2 of 4 stars). 2 submissions from 2 submitters: Likely benign (2). Last evaluated 2024-04-24.

Conditions:
Developmental and epileptic encephalopathy, 34 (DEE34). Also called: Early infantile epileptic encephalopathy 34; SLC12A5-Related Epilepsy of Infancy with Migrating Focal Seizures. Identifiers: Orphanet 293181, MedGen C4225257, MONDO:0014718, OMIM 616645.

Allele frequency attached by ClinVar (database versions not stated): gnomAD exomes below 0.00001; gnomAD 0.00001; TOPMed 0.00001.
gnomAD v4.1: 3 of 1,613,982 alleles (0.00019%); highest among the groups gnomAD compares: Non-Finnish European, 0.00025%; no homozygotes.

Submissions (2):

Labcorp Genetics (formerly Invitae), Labcorp
Classification: Likely benign for Developmental and epileptic encephalopathy, 34. Last evaluated: 2024-04-24. Review status: criteria provided, single submitter. Criteria: Invitae Variant Classification Sherloc (09022015). Collection method: clinical testing. Allele origin: germline.

CeGaT Center for Human Genetics Tuebingen
Classification: Likely benign. Last evaluated: 2023-06-01. Review status: criteria provided, single submitter. Criteria: CeGaT Center For Human Genetics Tuebingen Variant Classification Criteria Version 2. Collection method: clinical testing. Allele origin: germline. Affected: yes. Observed: 1 variant allele.
Comment: SLC12A5: PM2:Supporting, BP4, BP7